The following is an entry in ClinVar:

ClinVar aggregate classification (germline): Uncertain significance. Review status: criteria provided, multiple submitters, no conflicts (2 of 4 stars). 3 submissions from 3 submitters: Uncertain significance (3). Last evaluated 2025-05-21.

Conditions:
Immunodeficiency 51 (IMD51). Also called: CANDIDIASIS, FAMILIAL, 5. Identifiers: Orphanet 1334, MedGen C4310803, MONDO:0013500, OMIM 613953.

Allele frequency attached by ClinVar (database versions not stated): ExAC 0.00001; gnomAD exomes 0.00002 and 0.00011; TOPMed 0.00003; gnomAD 0.00004 and 0.00005; ESP Exome Variant Server 0.00008.
gnomAD v4.1: 170 of 1,614,004 alleles (0.011%); highest among the groups gnomAD compares: Non-Finnish European, 0.014%; no homozygotes.

Submissions (3):

Ambry Genetics
Classification: Uncertain significance. Last evaluated: 2025-05-21. Review status: criteria provided, single submitter. Criteria: Ambry Variant Classification Scheme 2023. Collection method: clinical testing. Allele origin: germline.

Labcorp Genetics (formerly Invitae), Labcorp
Classification: Uncertain significance for Immunodeficiency 51. Last evaluated: 2022-03-19. Review status: criteria provided, single submitter. Criteria: Invitae Variant Classification Sherloc (09022015). Collection method: clinical testing. Allele origin: germline.
Comment: This sequence change replaces serine, which is neutral and polar, with arginine, which is basic and polar, at codon 201 of the IL17RA protein (p.Ser201Arg). This variant is present in population databases (rs369409494, gnomAD 0.003%). This variant has not been reported in the literature in individuals affected with IL17RA-related conditions. ClinVar contains an entry for this variant (Variation ID: 895005). Algorithms developed to predict the effect of missense changes on protein structure and function are either unavailable or do not agree on the potential impact of this missense change (SIFT: "Deleterious"; PolyPhen-2: "Probably Damaging"; Align-GVGD: "Class C0"). In summary, the available evidence is currently insufficient to determine the role of this variant in disease. Therefore, it has been classified as a Variant of Uncertain Significance.

Illumina Laboratory Services, Illumina
Classification: Uncertain significance for Immunodeficiency 51. Last evaluated: 2018-01-12. Review status: criteria provided, single submitter. Criteria: ICSL Variant Classification Criteria 13 December 2019. Collection method: clinical testing. Allele origin: germline.

NM_014339.7(IL17RA):c.603C>G (p.Ser201Arg)

Gene: IL17RA (interleukin 17 receptor A; plus strand). Cytogenetic location: 22q11.1.
Variant type: single nucleotide variant.
Coding change: c.603C>G on transcript NM_014339.7 (MANE Select); coding-DNA position 603, C replaced by G.
Protein change: p.Ser201Arg; replaces serine 201 with arginine.
Molecular consequence: missense variant.
Genome position (GRCh38, 1-based): chr22:17,102,143, C>G. VCF-style: chr22-17102143-C-G. GRCh37 (hg19) VCF-style: chr22-17583033-C-G.
Other names: c.603C>G (NM_014339.5); c.603C>G, p.Ser201Arg (NM_001289905.2); short protein forms S201R.
Identifiers: ClinVar variation 895005 (VCV000895005.6), dbSNP rs369409494, ClinGen allele CA10086437.